The following is an entry in ClinVar:

NM_001379500.1(COL18A1):c.1311+10C>T

Gene: COL18A1 (collagen type XVIII alpha 1 chain; plus strand). Cytogenetic location: 21q22.3.
Variant type: single nucleotide variant.
Coding change: c.1311+10C>T on transcript NM_001379500.1 (MANE Select); 10 bases into the intron after coding-DNA position 1311, C replaced by T.
Molecular consequence: intron variant.
Genome position (GRCh38, 1-based): chr21:45,479,974, C>T. VCF-style: chr21-45479974-C-T. GRCh37 (hg19) VCF-style: chr21-46899888-C-T.
Other names: c.2556+10C>T (NM_130444.3); c.1851+10C>T (NM_030582.4, NM_030582.3).
Identifiers: ClinVar variation 1646760 (VCV001646760.11), dbSNP rs770051708, ClinGen allele CA10066231.
Genomic context (GRCh38, chr21:45,479,974, plus strand): 5'-CCACAAGGCTTCCCCGGGACTCCAGGGGACGTAGGTCCCAAGGGCGACAAGGTGAGTCTC[C>T]GTGGCTGGGTGGGGCCCCTTCCTGTGTTGGCCCTTGGCTCAAGGTGGGGGCTGTGTGCGT-3'

ClinVar aggregate classification (germline): Likely benign. Review status: criteria provided, multiple submitters, no conflicts (2 of 4 stars). 3 submissions from 3 submitters: Likely benign (2). 1 of the submissions does not count toward it. Last evaluated 2025-11-24.

Conditions:
COL18A1-related disorder. Also called: COL18A1-related disorders; COL18A1-related condition.

Allele frequency attached by ClinVar (database versions not stated): gnomAD 0.00001; gnomAD exomes 0.00001; TOPMed 0.00002.
gnomAD v4.1: 10 of 1,613,710 alleles (0.00062%); highest among the groups gnomAD compares: South Asian, 0.0022%; no homozygotes.

Submissions (3):

Labcorp Genetics (formerly Invitae), Labcorp
Classification: Likely benign. Last evaluated: 2025-11-24. Review status: criteria provided, single submitter. Criteria: Invitae Variant Classification Sherloc (09022015). Collection method: clinical testing. Allele origin: germline.

Blueprint Genetics
Classification: Likely benign. Last evaluated: 2024-06-28. Review status: criteria provided, single submitter. Criteria: ACMG Guidelines, 2015. Collection method: clinical testing. Allele origin: germline.

PreventionGenetics, part of Exact Sciences
Classification: Likely benign for COL18A1-related condition. Last evaluated: 2020-10-05. Review status: no assertion criteria provided. Collection method: clinical testing. Allele origin: germline. Not counted in ClinVar's aggregate classification.
Comment: This variant is classified as likely benign based on ACMG/AMP sequence variant interpretation guidelines (Richards et al. 2015 PMID: 25741868, with internal and published modifications).